The following is an entry in ClinVar:

ClinVar aggregate classification (germline): Uncertain significance. Review status: criteria provided, multiple submitters, no conflicts (2 of 4 stars). 4 submissions from 4 submitters: Uncertain significance (3). 1 of the submissions does not count toward it. Last evaluated 2025-08-14.

Conditions:
Autosomal recessive limb-girdle muscular dystrophy type 2A (LGMDR1). Also called: MUSCULAR DYSTROPHY, PELVOFEMORAL; Limb-girdle muscular dystrophy, type 2A; Muscular dystrophy, limb-girdle, type 2A, Amish; LEYDEN-MOEBIUS MUSCULAR DYSTROPHY; Calpainopathy. Identifiers: Orphanet 267, MedGen C1869123, MONDO:0009675, OMIM 253600. Disease mechanism: loss of function.
Inborn genetic diseases. Identifiers: MedGen C0950123, MeSH D030342.

Allele frequency attached by ClinVar (database versions not stated): gnomAD exomes below 0.00001 and 0.00001; TOPMed 0.00001.
gnomAD v4.1: 3 of 1,614,080 alleles (0.00019%); highest among the groups gnomAD compares: Non-Finnish European, 0.00025%; no homozygotes.

Submissions (4):

Ambry Genetics
Classification: Uncertain significance for Inborn genetic diseases. Last evaluated: 2025-08-14. Review status: criteria provided, single submitter. Criteria: Ambry Variant Classification Scheme 2023. Collection method: clinical testing. Allele origin: germline.

Labcorp Genetics (formerly Invitae), Labcorp
Classification: Uncertain significance for Autosomal recessive limb-girdle muscular dystrophy type 2A. Last evaluated: 2025-03-12. Review status: criteria provided, single submitter. Criteria: Invitae Variant Classification Sherloc (09022015). Collection method: clinical testing. Allele origin: germline.
Comment: This sequence change replaces serine, which is neutral and polar, with threonine, which is neutral and polar, at codon 154 of the CAPN3 protein (p.Ser154Thr). This variant is present in population databases (no rsID available, gnomAD 0.002%). This variant has not been reported in the literature in individuals affected with CAPN3-related conditions. ClinVar contains an entry for this variant (Variation ID: 851275). Invitae Evidence Modeling of protein sequence and biophysical properties (such as structural, functional, and spatial information, amino acid conservation, physicochemical variation, residue mobility, and thermodynamic stability) indicates that this missense variant is not expected to disrupt CAPN3 protein function with a negative predictive value of 80%. In summary, the available evidence is currently insufficient to determine the role of this variant in disease. Therefore, it has been classified as a Variant of Uncertain Significance.

Revvity Omics, Revvity
Classification: Uncertain significance. Last evaluated: 2025-01-06. Review status: criteria provided, single submitter. Criteria: ACMG Guidelines, 2015. Collection method: clinical testing. Allele origin: germline.

Natera, Inc.
Classification: Uncertain significance for Limb-girdle muscular dystrophy type 2A. Last evaluated: 2021-01-28. Review status: no assertion criteria provided. Collection method: clinical testing. Allele origin: germline. Not counted in ClinVar's aggregate classification.

NM_000070.3(CAPN3):c.461G>C (p.Ser154Thr)

Genes: CAPN3 (calpain 3; plus strand), LOC126862115 (BRD4-independent group 4 enhancer GRCh37_chr15:42677734-42678933; plus strand). Cytogenetic location: 15q15.1.
Variant type: single nucleotide variant.
Coding change: c.461G>C on transcript NM_000070.3 (MANE Select); coding-DNA position 461, G replaced by C.
Protein change: p.Ser154Thr; replaces serine 154 with threonine.
Molecular consequence: missense variant.
Genome position (GRCh38, 1-based): chr15:42,386,248, G>C. VCF-style: chr15-42386248-G-C. GRCh37 (hg19) VCF-style: chr15-42678446-G-C.
Other names: c.461G>C, p.Ser154Thr (NM_024344.2, NM_173087.2); short protein forms S154T.
Identifiers: ClinVar variation 851275 (VCV000851275.12), dbSNP rs1177741110, ClinGen allele CA391997639.
Genomic context (GRCh38, chr15:42,386,248, plus strand): 5'-CCATTGCCTGCCTGACCCTGAACCAGCACCTTCTTTTCCGAGTCATACCCCATGATCAAA[G>C]TTTCATCGAAAACTACGCAGGGATCTTCCACTTCCAGGTGAGGTAATGAGAGTGTAGTTA-3'
Protein context (NP_000061.1, residues 144-164): LLFRVIPHDQ[Ser154Thr]FIENYAGIFH